The following is an entry in ClinVar:

NM_002227.4(JAK1):c.1158G>A (p.Lys386=)

Gene: JAK1 (Janus kinase 1; minus strand). Cytogenetic location: 1p31.3.
Variant type: single nucleotide variant.
Coding change: c.1158G>A on transcript NM_002227.4 (MANE Select); coding-DNA position 1158, G replaced by A.
Protein change: p.Lys386=; no amino-acid change (lysine 386 retained).
Molecular consequence: synonymous variant.
Genome position (GRCh38, 1-based): chr1:64,864,805, C>T on the plus strand (G>A on the coding strand, the complement: JAK1 is on the minus strand). VCF-style: chr1-64864805-C-T. GRCh37 (hg19) VCF-style: chr1-65330488-C-T.
Other names: c.1158G>A, p.Lys386= (NM_001320923.2, NM_001321852.2, NM_001321853.2 and 4 more transcripts); c.1158G>A (NM_002227.3).
Identifiers: ClinVar variation 1903803 (VCV001903803.7), dbSNP rs541178031, ClinGen allele CA893024.

ClinVar aggregate classification (germline): Likely benign. Review status: criteria provided, single submitter (1 of 4 stars). 2 submissions from 2 submitters: Likely benign (1). 1 of the submissions does not count toward it. Last evaluated 2025-03-13.

Conditions:
JAK1-related disorder. Also called: JAK1-related condition.

Allele frequency attached by ClinVar (database versions not stated): TOPMed below 0.00001; ExAC 0.00001; gnomAD exomes 0.00001; gnomAD 0.00002.
gnomAD v4.1: 24 of 1,611,308 alleles (0.0015%); highest among the groups gnomAD compares: Non-Finnish European, 0.0014%; no homozygotes.

Submissions (2):

Labcorp Genetics (formerly Invitae), Labcorp
Classification: Likely benign. Last evaluated: 2025-03-13. Review status: criteria provided, single submitter. Criteria: Invitae Variant Classification Sherloc (09022015). Collection method: clinical testing. Allele origin: germline.

PreventionGenetics, part of Exact Sciences
Classification: Likely benign for JAK1-related condition. Last evaluated: 2021-03-11. Review status: no assertion criteria provided. Collection method: clinical testing. Allele origin: germline. Not counted in ClinVar's aggregate classification.
Comment: This variant is classified as likely benign based on ACMG/AMP sequence variant interpretation guidelines (Richards et al. 2015 PMID: 25741868, with internal and published modifications).